The following is an entry in ClinVar:

ClinVar aggregate classification (germline): Uncertain significance (1 of 4 stars; one submission).

Allele frequency attached by ClinVar (database versions not stated): TOPMed below 0.00001; ExAC 0.00001.
gnomAD v4.1: 2 of 1,611,968 alleles (0.00012%); highest among the groups gnomAD compares: Non-Finnish European, 0.00017%; no homozygotes.

Submission:

Ambry Genetics
Classification: Uncertain significance. Last evaluated: 2023-12-04. Review status: criteria provided, single submitter. Criteria: Ambry Variant Classification Scheme 2023. Collection method: clinical testing. Allele origin: germline.
Comment: The p.T901R variant (also known as c.2702C>G), located in coding exon 4 of the ALPK2 gene, results from a C to G substitution at nucleotide position 2702. The threonine at codon 901 is replaced by arginine, an amino acid with similar properties. This amino acid position is conserved. In addition, this alteration is predicted to be tolerated by in silico analysis. Since supporting evidence is limited at this time, the clinical significance of this alteration remains unclear.

NM_052947.4(ALPK2):c.2702C>G (p.Thr901Arg)

Gene: ALPK2 (alpha kinase 2; minus strand). Cytogenetic location: 18q21.31.
Variant type: single nucleotide variant.
Coding change: c.2702C>G on transcript NM_052947.4 (MANE Select); coding-DNA position 2702, C replaced by G.
Protein change: p.Thr901Arg; replaces threonine 901 with arginine.
Molecular consequence: missense variant.
Genome position (GRCh38, 1-based): chr18:58,537,485, G>C on the plus strand (C>G on the coding strand, the complement: ALPK2 is on the minus strand). VCF-style: chr18-58537485-G-C. GRCh37 (hg19) VCF-style: chr18-56204717-G-C.
Other names: short protein forms T901R.
Identifiers: ClinVar variation 3228643 (VCV003228643.1), dbSNP rs759792575, ClinGen allele CA8977026.